The following is an entry in ClinVar:

ClinVar aggregate classification (germline): Pathogenic (1 of 4 stars; one submission).

Conditions:
Neurofibromatosis, type 1 (NF1). Also called: VON RECKLINGHAUSEN DISEASE; Neurofibromatosis, type I; Peripheral type neurofibromatosis; NEUROFIBROMATOSIS, TYPE I, SOMATIC. Identifiers: Orphanet 636, MedGen C0027831, MONDO:0018975, OMIM 162200. Disease mechanism: loss of function.

Submission:

Labcorp Genetics (formerly Invitae), Labcorp
Classification: Pathogenic for Neurofibromatosis, type 1. Last evaluated: 2022-10-26. Review status: criteria provided, single submitter. Criteria: Invitae Variant Classification Sherloc (09022015). Collection method: clinical testing. Allele origin: unknown.
Comment: For these reasons, this variant has been classified as Pathogenic. This variant disrupts a region of the NF1 protein in which other variant(s) (p.Leu2745Alafs*5) have been determined to be pathogenic (Invitae). This suggests that this is a clinically significant region of the protein, and that variants that disrupt it are likely to be disease-causing. This variant has not been reported in the literature in individuals affected with NF1-related conditions. This variant is a gross deletion of the genomic region encompassing exon(s) 31-57 of the NF1 gene, which includes the termination codon. This deletion extends beyond the assayed region for this gene and therefore may encompass additional genes. While this deletion is not anticipated to lead to nonsense mediated decay, it is expected to alter mRNA translation or result in a truncated protein product.

NC_000017.10:g.(?_29585352)_(29701183_?)del

Genes: EVI2A (ecotropic viral integration site 2A; minus strand), EVI2B (ecotropic viral integration site 2B; minus strand), NF1 (neurofibromin 1; plus strand), OMG (oligodendrocyte myelin glycoprotein; minus strand). Cytogenetic location: 17q11.2.
Variant type: Deletion.
Identifiers: ClinVar variation 3242864 (VCV003242864.1).